The following is an entry in ClinVar:

ClinVar aggregate classification (germline): Conflicting classifications of pathogenicity. Review status: criteria provided, conflicting classifications (1 of 4 stars). 2 submissions from 2 submitters: Pathogenic (1); Uncertain significance (1). Last evaluated 2022-02-14.

Conditions:
Global developmental delay with or without impaired intellectual development. Identifiers: MedGen C5193032, MONDO:0032680, OMIM 618330.

Allele frequency attached by ClinVar (database versions not stated): gnomAD exomes below 0.00001; TOPMed below 0.00001; gnomAD 0.00001.
gnomAD v4.1: 3 of 1,614,034 alleles (0.00019%); highest among the groups gnomAD compares: Non-Finnish European, 0.00025%; no homozygotes.

Submissions (2):

GeneDx
Classification: Uncertain significance. Last evaluated: 2022-02-14. Review status: criteria provided, single submitter. Criteria: GeneDx Variant Classification Process June 2021. Collection method: clinical testing. Allele origin: germline. Affected: yes.
Comment: Not observed at significant frequency in large population cohorts (gnomAD); Nonsense variant predicted to result in protein truncation or nonsense mediated decay in a gene for which loss-of-function is not a known mechanism of disease; Has not been previously published as pathogenic or benign to our knowledge; Variants in candidate genes are classified as variants of uncertain significance in accordance with ACMG guidelines (Richards et al., 2015)

Baylor Genetics
Classification: Pathogenic for Global developmental delay with or without impaired intellectual development. Last evaluated: 2020-04-02. Review status: criteria provided, single submitter. Criteria: ACMG Guidelines, 2015. Collection method: clinical testing. Allele origin: unknown. Affected: yes.
Comment: This variant was determined to be pathogenic according to ACMG Guidelines, 2015 [PMID:25741868].

NM_181552.4(CUX1):c.3781C>T (p.Arg1261Ter)

Gene: CUX1 (cut like homeobox 1; plus strand). Cytogenetic location: 7q22.1.
Variant type: single nucleotide variant.
Coding change: c.3781C>T on transcript NM_181552.4 (MANE Select); coding-DNA position 3781, C replaced by T.
Protein change: p.Arg1261Ter; replaces arginine 1261 with a stop codon.
Molecular consequence: nonsense. On other transcripts: intron variant (5).
Genome position (GRCh38, 1-based): chr7:102,239,478, C>T. VCF-style: chr7-102239478-C-T. GRCh37 (hg19) VCF-style: chr7-101882758-C-T.
Other names: c.3814C>T, p.Arg1272Ter (NM_001202543.2); c.1256-33888C>T (NM_001913.5); c.1250-33888C>T (NM_181500.4); c.1118-33888C>T (NM_001202545.3); c.1208-33888C>T (NM_001202544.3); c.1139-33888C>T (NM_001202546.3); short protein forms R1272*, R1261*.
Identifiers: ClinVar variation 1027903 (VCV001027903.3), dbSNP rs1320387840, ClinGen allele CA368665396.
Genomic context (GRCh38, chr7:102,239,478, plus strand): 5'-CAGCACCAGCTGAAGAAACCCCGGGTGGTGCTGGCTCCGGAGGAGAAGGAGGCGCTGAAA[C>T]GAGCGTATCAGCAAAAGCCATACCCGTCACCAAAAACCATCGAAGACCTCGCCACCCAGC-3'